The following is an entry in ClinVar:

NM_000535.7(PMS2):c.1545C>A (p.Cys515Ter)

Gene: PMS2 (PMS1 homolog 2, mismatch repair system component; minus strand). Cytogenetic location: 7p22.1.
Variant type: single nucleotide variant.
Coding change: c.1545C>A on transcript NM_000535.7 (MANE Select); coding-DNA position 1545, C replaced by A.
Protein change: p.Cys515Ter; replaces cysteine 515 with a stop codon.
Molecular consequence: nonsense. On other transcripts: non-coding transcript variant (1), intron variant (1).
Genome position (GRCh38, 1-based): chr7:5,987,220, G>T on the plus strand (C>A on the coding strand, the complement: PMS2 is on the minus strand). VCF-style: chr7-5987220-G-T. GRCh37 (hg19) VCF-style: chr7-6026851-G-T.
Other names: c.1140C>A, p.Cys380Ter (NM_001018040.1, NM_001322003.2, NM_001322004.2 and 17 more transcripts); c.1389C>A, p.Cys463Ter (NM_001322006.2, NM_001406870.1); c.1227C>A, p.Cys409Ter (NM_001322007.2, NM_001322008.2, NM_001406876.1 and 2 more transcripts); c.984C>A, p.Cys328Ter (NM_001322010.2, NM_001406906.1, NM_001406907.1); c.612C>A, p.Cys204Ter (NM_001322011.2, NM_001322012.2); c.972C>A, p.Cys324Ter (NM_001322013.2, NM_001406909.1); c.1545C>A, p.Cys515Ter (NM_001322014.2, NM_001406871.1, NM_001406872.1); c.1236C>A, p.Cys412Ter (NM_001322015.2, NM_001406875.1, NM_001406877.1 and 5 more transcripts); and 13 more; short protein forms C204*, C258*, C324*, C328*, C344*, C357*, C360*, C380*.
Identifiers: ClinVar variation 2674234 (VCV002674234.1), dbSNP rs1057520347, ClinGen allele CA366741621.
Genomic context (GRCh38, chr7:5,987,220, plus strand): 5'-AGAGTCCACATGTTCCTGCGAGCCCCTGTCCCCTGGGGAGCTGGCCGCATACTCGCTGCT[G>T]CAGTGACTGCCCGTGTCTGGGATGCTGAACCCCTCAGAATCCACGGAAGTGCTGCCGTGC-3'

ClinVar aggregate classification (germline): Pathogenic (1 of 4 stars; one submission).

Conditions:
Lynch syndrome 4 (LYNCH4). Also called: Hereditary non-polyposis colorectal cancer, type 4; Colorectal cancer, hereditary nonpolyposis, type 4. Identifiers: Orphanet 144, MedGen C1838333, MONDO:0013699, OMIM 614337. Disease mechanism: loss of function.

Submission:

Myriad Genetics, Inc.
Classification: Pathogenic for Lynch syndrome 4. Last evaluated: 2023-09-20. Review status: criteria provided, single submitter. Criteria: Myriad Autosomal Dominant, Autosomal Recessive and X-Linked Classification Criteria (2023). Collection method: clinical testing. Allele origin: unknown.
Comment: This variant is considered pathogenic. This variant creates a termination codon and is predicted to result in premature protein truncation.